The following is an entry in ClinVar:

NM_000094.4(COL7A1):c.2954A>G (p.Tyr985Cys)

Gene: COL7A1 (collagen type VII alpha 1 chain; minus strand). Cytogenetic location: 3p21.31.
Variant type: single nucleotide variant.
Coding change: c.2954A>G on transcript NM_000094.4 (MANE Select); coding-DNA position 2954, A replaced by G.
Protein change: p.Tyr985Cys; replaces tyrosine 985 with cysteine.
Molecular consequence: missense variant.
Genome position (GRCh38, 1-based): chr3:48,587,458, T>C on the plus strand (A>G on the coding strand, the complement: COL7A1 is on the minus strand). VCF-style: chr3-48587458-T-C. GRCh37 (hg19) VCF-style: chr3-48624891-T-C.
Other names: short protein forms Y985C.
Identifiers: ClinVar variation 4801668 (VCV004801668.1).

ClinVar aggregate classification (germline): Uncertain significance (1 of 4 stars; one submission).

gnomAD v4.1: 2 of 1,613,276 alleles (0.00012%); highest among the groups gnomAD compares: South Asian, 0.0022%; no homozygotes.

Submission:

Labcorp Genetics (formerly Invitae), Labcorp
Classification: Uncertain significance. Last evaluated: 2025-05-25. Review status: criteria provided, single submitter. Criteria: Invitae Variant Classification Sherloc (09022015). Collection method: clinical testing. Allele origin: germline.
Comment: This sequence change replaces tyrosine, which is neutral and polar, with cysteine, which is neutral and slightly polar, at codon 985 of the COL7A1 protein (p.Tyr985Cys). This variant is not present in population databases (gnomAD no frequency). This variant has not been reported in the literature in individuals affected with COL7A1-related conditions. Invitae Evidence Modeling of protein sequence and biophysical properties (such as structural, functional, and spatial information, amino acid conservation, physicochemical variation, residue mobility, and thermodynamic stability) has been performed for this missense variant. However, the output from this modeling did not meet the statistical confidence thresholds required to predict the impact of this variant on COL7A1 protein function. In summary, the available evidence is currently insufficient to determine the role of this variant in disease. Therefore, it has been classified as a Variant of Uncertain Significance.